The following is an entry in ClinVar:

ClinVar aggregate classification (germline): Pathogenic/Likely pathogenic. Review status: criteria provided, multiple submitters, no conflicts (2 of 4 stars). 12 submissions from 12 submitters: Pathogenic (8); Likely pathogenic (4). Last evaluated 2026-03-31.

Conditions:
ATM-related cancer predisposition. Also called: ATM-related cancer susceptibility. Identifiers: MedGen CN377759, MONDO:0700270.
Hereditary cancer-predisposing syndrome. Also called: Tumor predisposition; Hereditary neoplastic syndrome; Hereditary Cancer Syndrome; Neoplastic Syndromes, Hereditary. Identifiers: Orphanet 140162, MedGen C0027672, MeSH D009386, MONDO:0015356.
Ataxia-telangiectasia syndrome (AT). Also called: LOUIS-BAR SYNDROME; Ataxia-telangiectasia, complementation group E; Ataxia telangiectasia (A-T); Cerebello-oculocutaneous telangiectasia; Immunodeficiency with ataxia telangiectasia; Ataxia-telangiectasia, complementation group D. Identifiers: Orphanet 100, MedGen C0004135, MONDO:0008840, OMIM 208900.
Familial cancer of breast. Also called: hereditary breast carcinoma; BREAST CANCER, FAMILIAL; Hereditary breast cancer. Identifiers: Orphanet 227535, MedGen C0346153, MONDO:0016419, OMIM 114480. Disease mechanism: loss of function.

Submissions (12):

Dasa
Classification: Pathogenic for ATM-related cancer predisposition. Last evaluated: 2026-03-31. Review status: criteria provided, single submitter. Criteria: DASA Assertion Criteria. Collection method: clinical testing. Allele origin: germline.
Comment: NM_000051.4(ATM):c.1236-2A>G introduces a premature termination codon predicted to result in loss of normal protein function. Loss-of-function is an established mechanism of disease for this gene. This variant results in the same amino acid change as a previously established pathogenic variant. This variant has been observed in affected individuals with ATM-related cancer predisposition in a genotype context consistent with recessive disease. The variant is present at low frequency in population datasets. Based on the available data, this variant is classified as pathogenic.

Ambry Genetics
Classification: Pathogenic for Hereditary cancer-predisposing syndrome. Last evaluated: 2025-12-03. Review status: criteria provided, single submitter. Criteria: Ambry Variant Classification Scheme 2023. Collection method: clinical testing. Allele origin: germline.
Comment: The c.1236-2A>G intronic pathogenic mutation results from an A to G substitution two nucleotides upstream from coding exon 9 in the ATM gene. This alteration has been identified in the compound heterozygous state in multiple individuals with ataxia telangiectasia (A-T) (Coutinho G et al. Am J Med Genet A, 2004 Apr;126A:33-40). This variant is considered to be rare based on population cohorts in the Genome Aggregation Database (gnomAD). This nucleotide position is highly conserved in available vertebrate species. In silico splice site analysis predicts that this alteration will weaken the native splice acceptor site and will result in the creation or strengthening of a novel splice acceptor site. RNA studies have demonstrated that this alteration results in abnormal splicing in the set of samples tested (Eng L et al. Hum Mutat, 2004 Jan;23:67-76; Ambry internal data). Alterations that disrupt the canonical splice site are expected to cause aberrant splicing, resulting in an abnormal protein or a transcript that is subject to nonsense-mediated mRNA decay. As such, this alteration is classified as a disease-causing mutation.

Labcorp Genetics (formerly Invitae), Labcorp
Classification: Pathogenic for Ataxia-telangiectasia syndrome. Last evaluated: 2025-07-31. Review status: criteria provided, single submitter. Criteria: Invitae Variant Classification Sherloc (09022015). Collection method: clinical testing. Allele origin: germline.
Comment: This sequence change affects an acceptor splice site in intron 9 of the ATM gene. RNA analysis indicates that disruption of this splice site induces altered splicing and may result in an absent or altered protein product. This variant is not present in population databases (gnomAD no frequency). Disruption of this splice site has been observed in individual(s) with breast cancer or clinical features of ataxia-telangiectasia (PMID: 14695534, 30303537). This variant is also known as IVS11-2A>G. ClinVar contains an entry for this variant (Variation ID: 419300). Studies have shown that disruption of this splice site alters ATM gene expression (PMID: 14695534). Studies have shown that disruption of this splice site results in activation of a cryptic splice site, and produces a non-functional protein and/or introduces a premature termination codon (PMID: 14695534). For these reasons, this variant has been classified as Pathogenic.

Natera, Inc.
Classification: Likely pathogenic for Ataxia-telangiectasia. Last evaluated: 2025-06-13. Review status: criteria provided, single submitter. Criteria: Natera Variant Classification Schema (03/2026). Collection method: clinical testing. Allele origin: germline.
Comment: The c.1236-2A>G variant in ATM is a canonical splice acceptor site variant predicted to affect pre-mRNA splicing, which may result in an abnormal transcript and altered protein product. This variant may result in a truncated or dysfunctional protein product. This variant is rare in the general population with a frequency below the threshold expected for the associated phenotype(s). This variant has been observed in one or more individuals affected with the associated recessive disease, as either homozygous or compound heterozygous with a second variant (PMID: 15039971). Given the available evidence, this variant is classified as Likely Pathogenic.

Fulgent Genetics
Classification: Likely pathogenic for Familial cancer of breast; Ataxia-telangiectasia syndrome. Last evaluated: 2024-03-20. Review status: criteria provided, single submitter. Criteria: ACMG Guidelines, 2015. Collection method: clinical testing. Allele origin: germline.

Myriad Genetics, Inc.
Classification: Likely pathogenic for Familial cancer of breast. Last evaluated: 2024-01-12. Review status: criteria provided, single submitter. Criteria: Myriad Autosomal Dominant, Autosomal Recessive and X-Linked Classification Criteria (2023). Collection method: clinical testing. Allele origin: unknown.
Comment: This variant is considered likely pathogenic. This variant occurs within a consensus splice junction and is predicted to result in abnormal mRNA splicing of either an out-of-frame exon or an in-frame exon necessary for protein stability and/or normal function.

Baylor Genetics
Classification: Pathogenic for Familial cancer of breast. Last evaluated: 2023-07-25. Review status: criteria provided, single submitter. Criteria: ACMG Guidelines, 2015. Collection method: clinical testing. Allele origin: unknown.

GeneDx
Classification: Pathogenic. Last evaluated: 2023-07-25. Review status: criteria provided, single submitter. Criteria: GeneDx Variant Classification Process June 2021. Collection method: clinical testing. Allele origin: germline. Affected: yes.
Comment: Canonical splice site variant demonstrated to cause aberrant splicing and result in a null allele in a gene for which loss of function is a known mechanism of disease (Eng et al., 2004); Not observed at significant frequency in large population cohorts (gnomAD); Also known as IVS11-2A>G; This variant is associated with the following publications: (PMID: 14695534, 15039971, 30303537)

CeGaT Center for Human Genetics Tuebingen
Classification: Pathogenic. Last evaluated: 2022-12-01. Review status: criteria provided, single submitter. Criteria: CeGaT Center For Human Genetics Tuebingen Variant Classification Criteria Version 2. Collection method: clinical testing. Allele origin: germline. Affected: yes. Observed: 3 variant alleles.

Color Diagnostics, LLC DBA Color Health
Classification: Pathogenic for Hereditary cancer-predisposing syndrome. Last evaluated: 2020-04-28. Review status: criteria provided, single submitter. Criteria: ACMG Guidelines, 2015. Collection method: clinical testing. Allele origin: germline.
Comment: This variant causes an A to G nucleotide substitution at the -2 position of intron 9 of the ATM gene. A RT-PCR study using cells from a carrier individual has shown that this variant activates a cryptic splice acceptor site seven nucleotides downstream of the variant position and causes the deletion of the first seven nucleotides of exon 12 (PMID: 14695534). This results in a frameshift and premature protein truncation, and lack of detectable ATM protein expression (PMID: 14695534). This variant has been observed in two unrelated individuals affected with ataxia telangiectasia (PMID: 14695534). This variant has also been observed in two related individuals affected with breast cancer (PMID: 28691344) and in two unrelated individuals affected with breast cancer with family history of breast cancer in the first degree relatives (Color internal data). This variant has not been identified in the general population by the Genome Aggregation Database (gnomAD). Loss of ATM function is a known mechanism of disease. Based on the available evidence, this variant is classified as Pathogenic.

Mendelics
Classification: Pathogenic for Ataxia-telangiectasia syndrome. Last evaluated: 2018-07-02. Review status: criteria provided, single submitter. Criteria: Mendelics Assertion Criteria 2017. Collection method: clinical testing. Allele origin: unknown.

Genesis Genomics
Classification: Likely pathogenic for Familial cancer of breast. Review status: criteria provided, single submitter. Criteria: ACMG Guidelines, 2015. Collection method: clinical testing. Allele origin: germline. Affected: yes. Observed: 1 variant allele.

Literature cited by the submitters: PubMed 14695534 (cited by Ambry Genetics and Labcorp Genetics (formerly Invitae), Labcorp); PubMed 15039971 (cited by Ambry Genetics and Natera, Inc.); PubMed 30303537 (cited by Labcorp Genetics (formerly Invitae), Labcorp).

NM_000051.4(ATM):c.1236-2A>G

Gene: ATM (ATM serine/threonine kinase; plus strand). Cytogenetic location: 11q22.3.
Variant type: single nucleotide variant.
Coding change: c.1236-2A>G on transcript NM_000051.4 (MANE Select); the canonical splice acceptor site of the intron before coding-DNA position 1236, A replaced by G.
Molecular consequence: splice acceptor variant.
Genome position (GRCh38, 1-based): chr11:108,250,699, A>G. VCF-style: chr11-108250699-A-G. GRCh37 (hg19) VCF-style: chr11-108121426-A-G.
Other names: c.1236-2A>G (NM_001351834.2).
Identifiers: ClinVar variation 419300 (VCV000419300.58), dbSNP rs80159221, ClinGen allele CA16619112.
Genomic context (GRCh38, chr11:108,250,699, plus strand): 5'-TTCCTTTTAGTTTGTTAATGTGATGGAATAGTTTTCAAATTATCCTTTTTTTTTTTTTTT[A>G]GGCTACAGATTGCAACCCAATTAATATCAAAGTATCCTGCAAGTTTACCTAACTGTGAGC-3'